The following is an entry in ClinVar:

NM_001655.5(ARCN1):c.1397T>C (p.Phe466Ser)

Gene: ARCN1 (archain 1; plus strand). Cytogenetic location: 11q23.3.
Variant type: single nucleotide variant.
Coding change: c.1397T>C on transcript NM_001655.5 (MANE Select); coding-DNA position 1397, T replaced by C.
Protein change: p.Phe466Ser; replaces phenylalanine 466 with serine.
Molecular consequence: missense variant. On other transcripts: non-coding transcript variant (2), intron variant (3).
Genome position (GRCh38, 1-based): chr11:118,597,862, T>C. VCF-style: chr11-118597862-T-C. GRCh37 (hg19) VCF-style: chr11-118468577-T-C.
Other names: c.1133T>C, p.Phe378Ser (NM_001142281.2); c.1460T>C, p.Phe487Ser (NM_001425073.1); c.1394T>C, p.Phe465Ser (NM_001425074.1); c.1340T>C, p.Phe447Ser (NM_001425075.1); c.1328T>C, p.Phe443Ser (NM_001425076.1); c.1232T>C, p.Phe411Ser (NM_001425077.1); c.953T>C, p.Phe318Ser (NM_001425080.1); c.1242-2763T>C (NM_001425078.1); and 2 more; short protein forms F318S, F378S, F411S, F443S, F447S, F465S, F466S, F487S.
Identifiers: ClinVar variation 3370828 (VCV003370828.1).

ClinVar aggregate classification (germline): Uncertain significance (1 of 4 stars; one submission).

Submission:

GeneDx
Classification: Uncertain significance. Last evaluated: 2024-03-10. Review status: criteria provided, single submitter. Criteria: GeneDx Variant Classification Process June 2021. Collection method: clinical testing. Allele origin: germline. Affected: yes.
Comment: Not observed at significant frequency in large population cohorts (gnomAD); In silico analysis supports that this missense variant has a deleterious effect on protein structure/function; Has not been previously published as pathogenic or benign to our knowledge